The following is an entry in ClinVar:

ClinVar aggregate classification (germline): Benign/Likely benign. Review status: criteria provided, multiple submitters, no conflicts (2 of 4 stars). 6 submissions from 6 submitters: Benign (1); Likely benign (5). Last evaluated 2025-07-19.

Conditions:
Hereditary cancer-predisposing syndrome. Also called: Tumor predisposition; Hereditary Cancer Syndrome; Hereditary neoplastic syndrome; Neoplastic Syndromes, Hereditary. Identifiers: Orphanet 140162, MedGen C0027672, MeSH D009386, MONDO:0015356.
Peutz-Jeghers syndrome (PJS). Also called: POLYPOSIS, HAMARTOMATOUS INTESTINAL; POLYPS-AND-SPOTS SYNDROME; Peutz-Jeghers polyposis; Periorificial lentiginosis syndrome. Identifiers: Orphanet 2869, MedGen C0031269, MeSH D010580, MONDO:0008280, OMIM 175200.

Allele frequency attached by ClinVar (database versions not stated): gnomAD 0.00001; TOPMed 0.00001.
gnomAD v4.1: 2 of 1,604,266 alleles (0.00012%); highest among the groups gnomAD compares: African/African-American, 0.0027%; no homozygotes.

Submissions (6):

Labcorp Genetics (formerly Invitae), Labcorp
Classification: Likely benign for Peutz-Jeghers syndrome. Last evaluated: 2025-07-19. Review status: criteria provided, single submitter. Criteria: Invitae Variant Classification Sherloc (09022015). Collection method: clinical testing. Allele origin: germline.

Myriad Genetics, Inc.
Classification: Benign for Peutz-Jeghers syndrome. Last evaluated: 2025-03-25. Review status: criteria provided, single submitter. Criteria: Myriad Autosomal Dominant, Autosomal Recessive and X-Linked Classification Criteria (2023). Collection method: clinical testing. Allele origin: unknown.
Comment: This variant is considered benign. This variant is a silent/synonymous amino acid change and it is not expected to impact splicing.

Women's Health and Genetics/Laboratory Corporation of America, LabCorp
Classification: Likely benign. Last evaluated: 2021-07-11. Review status: criteria provided, single submitter. Criteria: LabCorp Variant Classification Summary - May 2015. Collection method: clinical testing. Allele origin: germline.

GeneDx
Classification: Likely benign. Last evaluated: 2019-03-11. Review status: criteria provided, single submitter. Criteria: GeneDx Variant Classification Process June 2021. Collection method: clinical testing. Allele origin: germline. Affected: yes.

Color Diagnostics, LLC DBA Color Health
Classification: Likely benign for Hereditary cancer-predisposing syndrome. Last evaluated: 2018-05-15. Review status: criteria provided, single submitter. Criteria: ACMG Guidelines, 2015. Collection method: clinical testing. Allele origin: germline.

Ambry Genetics
Classification: Likely benign for Hereditary cancer-predisposing syndrome. Last evaluated: 2014-09-12. Review status: criteria provided, single submitter. Criteria: Ambry Variant Classification Scheme 2023. Collection method: clinical testing. Allele origin: germline.

NM_000455.5(STK11):c.279C>G (p.Ala93=)

Gene: STK11 (serine/threonine kinase 11; plus strand). Cytogenetic location: 19p13.3.
Variant type: single nucleotide variant.
Coding change: c.279C>G on transcript NM_000455.5 (MANE Select); coding-DNA position 279, C replaced by G.
Protein change: p.Ala93=; no amino-acid change (alanine 93 retained).
Molecular consequence: synonymous variant.
Genome position (GRCh38, 1-based): chr19:1,207,192, C>G. VCF-style: chr19-1207192-C-G. GRCh37 (hg19) VCF-style: chr19-1207191-C-G.
Identifiers: ClinVar variation 184995 (VCV000184995.22), dbSNP rs786201852, ClinGen allele CA022772.